The following is an entry in ClinVar:

ClinVar aggregate classification (germline): Uncertain significance (1 of 4 stars; one submission).

Conditions:
Parkinson disease 17 (PARK17). Also called: VPS35-Related Parkinson Disease. Identifiers: Orphanet 411602, MedGen C3280133, MONDO:0013625, OMIM 614203.

Allele frequency attached by ClinVar (database versions not stated): gnomAD 0.00001; TOPMed 0.00001; gnomAD exomes 0.00002.
gnomAD v4.1: 31 of 1,613,976 alleles (0.0019%); highest among the groups gnomAD compares: Non-Finnish European, 0.0026%; no homozygotes.

Submission:

Labcorp Genetics (formerly Invitae), Labcorp
Classification: Uncertain significance for Parkinson disease 17. Last evaluated: 2022-02-27. Review status: criteria provided, single submitter. Criteria: Invitae Variant Classification Sherloc (09022015). Collection method: clinical testing. Allele origin: germline.
Comment: In summary, the available evidence is currently insufficient to determine the role of this variant in disease. Therefore, it has been classified as a Variant of Uncertain Significance. Algorithms developed to predict the effect of missense changes on protein structure and function (SIFT, PolyPhen-2, Align-GVGD) all suggest that this variant is likely to be tolerated. This variant has not been reported in the literature in individuals affected with VPS35-related conditions. This variant is present in population databases (no rsID available, gnomAD 0.004%). This sequence change replaces glutamine, which is neutral and polar, with histidine, which is basic and polar, at codon 765 of the VPS35 protein (p.Gln765His).

NM_018206.6(VPS35):c.2295G>C (p.Gln765His)

Gene: VPS35 (VPS35 retromer complex component; minus strand). Cytogenetic location: 16q11.2.
Variant type: single nucleotide variant.
Coding change: c.2295G>C on transcript NM_018206.6 (MANE Select); coding-DNA position 2295, G replaced by C.
Protein change: p.Gln765His; replaces glutamine 765 with histidine.
Molecular consequence: missense variant.
Genome position (GRCh38, 1-based): chr16:46,660,568, C>G on the plus strand (G>C on the coding strand, the complement: VPS35 is on the minus strand). VCF-style: chr16-46660568-C-G. GRCh37 (hg19) VCF-style: chr16-46694480-C-G.
Other names: short protein forms Q765H.
Identifiers: ClinVar variation 2047683 (VCV002047683.4), dbSNP rs1479756796, ClinGen allele CA395801965.
Genomic context (GRCh38, chr16:46,660,568, plus strand): 5'-TTCTGGTGATTCCCGCCGCAAGCGCAAATGCTCCAGTGTGTTATGAAAATGTTTGTTAAT[C>G]TGCTCTGTTTCTTCACTGGATTCAAGATTCGGGAGGTCTTCTCGAATCTTTTGGATAAGC-3'
Protein context (NP_060676.2, residues 755-775): PNLESSEETE[Gln765His]INKHFHNTLE